The following is an entry in ClinVar:

NM_021815.5(SLC5A7):c.378G>A (p.Met126Ile)

Gene: SLC5A7 (solute carrier family 5 member 7; plus strand). Cytogenetic location: 2q12.3.
Variant type: single nucleotide variant.
Coding change: c.378G>A on transcript NM_021815.5 (MANE Select); coding-DNA position 378, G replaced by A.
Protein change: p.Met126Ile; replaces methionine 126 with isoleucine.
Molecular consequence: missense variant. On other transcripts: 5 prime UTR variant (1).
Genome position (GRCh38, 1-based): chr2:107,993,057, G>A. VCF-style: chr2-107993057-G-A. GRCh37 (hg19) VCF-style: chr2-108609513-G-A.
Other names: c.378G>A, p.Met126Ile (NM_001305005.3); c.63G>A, p.Met21Ile (NM_001305006.3); c.-327G>A (NM_001305007.3); short protein forms M21I, M126I.
Identifiers: ClinVar variation 1045054 (VCV001045054.5), dbSNP rs1336840043, ClinGen allele CA348020849.
Genomic context (GRCh38, chr2:107,993,057, plus strand): 5'-GCGTTCAAAGGGGTATGTGACCATGTTAGACCCGTTTCAGCAAATCTATGGAAAACGCAT[G>A]GGCGGACTCCTGTTTATTCCTGCACTGATGGGAGAAATGTTCTGGGCTGCAGCAATTTTC-3'
Protein context (NP_068587.1, residues 116-136): DPFQQIYGKR[Met126Ile]GGLLFIPALM

ClinVar aggregate classification (germline): Uncertain significance (1 of 4 stars; one submission).

Conditions:
Congenital myasthenic syndrome 20. Also called: Myasthenic syndrome, congenital, 20, presynaptic. Identifiers: MedGen C4310694, MONDO:0014939, OMIM 617143.
Neuronopathy, distal hereditary motor, type 7A. Also called: HARPER-YOUNG MYOPATHY; HMN VIIA; SPINAL MUSCULAR ATROPHY, DISTAL, WITH VOCAL CORD PARALYSIS; Neuronopathy, distal hereditary motor, autosomal dominant 7; NEURONOPATHY, DISTAL HEREDITARY MOTOR, HARDING TYPE VIIA; NEUROPATHY, DISTAL HEREDITARY MOTOR, HARDING TYPE VIIA. Identifiers: Orphanet 139589, MedGen C1834703, MONDO:0008024, OMIM 158580.

Allele frequency attached by ClinVar (database versions not stated): TOPMed 0.00004.

Submission:

Labcorp Genetics (formerly Invitae), Labcorp
Classification: Uncertain significance for Neuronopathy, distal hereditary motor, type 7A; Congenital myasthenic syndrome 20. Last evaluated: 2024-01-17. Review status: criteria provided, single submitter. Criteria: Invitae Variant Classification Sherloc (09022015). Collection method: clinical testing. Allele origin: germline.
Comment: This sequence change replaces methionine, which is neutral and non-polar, with isoleucine, which is neutral and non-polar, at codon 126 of the SLC5A7 protein (p.Met126Ile). This variant is present in population databases (no rsID available, gnomAD 0.02%). This variant has not been reported in the literature in individuals affected with SLC5A7-related conditions. ClinVar contains an entry for this variant (Variation ID: 1045054). Advanced modeling of protein sequence and biophysical properties (such as structural, functional, and spatial information, amino acid conservation, physicochemical variation, residue mobility, and thermodynamic stability) performed at Invitae indicates that this missense variant is not expected to disrupt SLC5A7 protein function with a negative predictive value of 80%. In summary, the available evidence is currently insufficient to determine the role of this variant in disease. Therefore, it has been classified as a Variant of Uncertain Significance.